The following is an entry in ClinVar:

NM_022458.4(LMBR1):c.*1797G>C

Gene: LMBR1 (limb development membrane protein 1; minus strand). Cytogenetic location: 7q36.3.
Variant type: single nucleotide variant.
Coding change: c.*1797G>C on transcript NM_022458.4 (MANE Select); 1797 bases downstream of the stop codon, G replaced by C.
Molecular consequence: 3 prime UTR variant. On other transcripts: non-coding transcript variant (2).
Genome position (GRCh38, 1-based): chr7:156,682,281, C>G on the plus strand (G>C on the coding strand, the complement: LMBR1 is on the minus strand). VCF-style: chr7-156682281-C-G. GRCh37 (hg19) VCF-style: chr7-156474975-C-G.
Other names: c.*1797G>C (NM_001350953.2, NM_001350954.2, NM_001350955.2 and 8 more transcripts).
Identifiers: ClinVar variation 359395 (VCV000359395.5), dbSNP rs113036233, ClinGen allele CA10623516.
Genomic context (GRCh38, chr7:156,682,281, plus strand): 5'-AGTATTTTACTTAAAAATTTTCAGACATTTTCCAAGTATCTAGGAACTCTTTGGATGTGC[C>G]TGAAAGTGGTGTAAGTGAGAAGTGATATTACTCTACTCCTGAGTTTCTTTCTGTTCTTCC-3'

ClinVar aggregate classification (germline): Benign (1 of 4 stars; one submission).

Conditions:
Polydactyly of a triphalangeal thumb. Also called: POLYDACTYLY OF TRIPHALANGEAL THUMB; TRIPHALANGEAL THUMB-POLYDACTYLY SYNDROME; Polydactyly, preaxial type II. Identifiers: Orphanet 2439, Orphanet 2950, Orphanet 93336, MedGen C1868114, MONDO:0008270, OMIM 174500.

Allele frequency attached by ClinVar (database versions not stated): TOPMed 0.00397; gnomAD 0.00464; 1000 Genomes Project 30x 0.02452; 1000 Genomes Project 0.02596; gnomAD exomes 0.16667.
gnomAD v4.1: 932 of 151,362 alleles (0.62%); highest among the groups gnomAD compares: South Asian, 8.2%; 21 homozygotes.

Submission:

Illumina Laboratory Services, Illumina
Classification: Benign for Polydactyly of a triphalangeal thumb. Last evaluated: 2018-01-13. Review status: criteria provided, single submitter. Criteria: ICSL Variant Classification Criteria 13 December 2019. Collection method: clinical testing. Allele origin: germline.
Comment: This variant was observed in the ICSL laboratory as part of a predisposition screen in an ostensibly healthy population. It had not been previously curated by ICSL or reported in the Human Gene Mutation Database (HGMD: prior to June 1st, 2018), and was therefore a candidate for classification through an automated scoring system. Utilizing variant allele frequency, disease prevalence and penetrance estimates, and inheritance mode, an automated score was calculated to assess if this variant is too frequent to cause the disease. Based on the score and internal cut-off values, a variant classified as benign is not then subjected to further curation. The score for this variant resulted in a classification of benign for this disease.